The following is an entry in ClinVar:

ClinVar aggregate classification (germline): Uncertain significance (1 of 4 stars; one submission).

Submission:

Labcorp Genetics (formerly Invitae), Labcorp
Classification: Uncertain significance. Last evaluated: 2021-10-01. Review status: criteria provided, single submitter. Criteria: Invitae Variant Classification Sherloc (09022015). Collection method: clinical testing. Allele origin: germline.
Comment: This sequence change replaces alanine with threonine at codon 32 of the AUTS2 protein (p.Ala32Thr). The alanine residue is weakly conserved and there is a small physicochemical difference between alanine and threonine. The frequency data for this variant in the population databases is considered unreliable, as metrics indicate insufficient coverage at this position in the ExAC database. This variant has not been reported in the literature in individuals affected with AUTS2-related conditions. Algorithms developed to predict the effect of missense changes on protein structure and function output the following: SIFT: "Tolerated"; PolyPhen-2: "Benign"; Align-GVGD: "Class C0". The threonine amino acid residue is found in multiple mammalian species, which suggests that this missense change does not adversely affect protein function. In summary, the available evidence is currently insufficient to determine the role of this variant in disease. Therefore, it has been classified as a Variant of Uncertain Significance.

NM_015570.4(AUTS2):c.94G>A (p.Ala32Thr)

Genes: AUTS2 (activator of transcription and developmental regulator AUTS2; plus strand), LOC129998550 (ATAC-STARR-seq lymphoblastoid silent region 18224; plus strand). Cytogenetic location: 7q11.22.
Variant type: single nucleotide variant.
Coding change: c.94G>A on transcript NM_015570.4 (MANE Select); coding-DNA position 94, G replaced by A.
Protein change: p.Ala32Thr; replaces alanine 32 with threonine.
Molecular consequence: missense variant.
Genome position (GRCh38, 1-based): chr7:69,599,747, G>A. VCF-style: chr7-69599747-G-A. GRCh37 (hg19) VCF-style: chr7-69064733-G-A.
Other names: c.94G>A, p.Ala32Thr (NM_001127231.3, NM_001127232.3); short protein forms A32T.
Identifiers: ClinVar variation 1412198 (VCV001412198.6), dbSNP rs1792265337, ClinGen allele CA367702848.
Genomic context (GRCh38, chr7:69,599,747, plus strand): 5'-AAAAAGCGGCGGTCGCGGTCGCAGCGAGACCGGGAGAGGCGCTCCCGGGGCGGGCTGGGG[G>A]CCGGCGCGGCCGGCGGCGGCGGGGCTGGCCGGACCCGGGCGCTCTCACTCGCCTCGTCGT-3'
Protein context (NP_056385.1, residues 22-42): RERRSRGGLG[Ala32Thr]GAAGGGGAGR